The following is an entry in ClinVar:

NM_015450.3(POT1):c.1171G>A (p.Val391Ile)

Gene: POT1 (protection of telomeres 1; minus strand). Cytogenetic location: 7q31.33.
Variant type: single nucleotide variant.
Coding change: c.1171G>A on transcript NM_015450.3 (MANE Select); coding-DNA position 1171, G replaced by A.
Protein change: p.Val391Ile; replaces valine 391 with isoleucine.
Molecular consequence: missense variant. On other transcripts: non-coding transcript variant (3).
Genome position (GRCh38, 1-based): chr7:124,841,171, C>T on the plus strand (G>A on the coding strand, the complement: POT1 is on the minus strand). VCF-style: chr7-124841171-C-T. GRCh37 (hg19) VCF-style: chr7-124481225-C-T.
Other names: c.778G>A, p.Val260Ile (NM_001042594.2); short protein forms V391I, V260I.
Identifiers: ClinVar variation 1739738 (VCV001739738.6), dbSNP rs2116462199, ClinGen allele CA369067748.
Genomic context (GRCh38, chr7:124,841,171, plus strand): 5'-CATCTGGGGTTTTAGTTGCACCATCCTGAAAAATTATATCCAAATCGCCCTCATGTGGAA[C>T]TTCTTGCCTAAAATTATTGGCAATGAAATGATAGAAATCGATTTTGGTGTAAGCGTGAAG-3'
Protein context (NP_056265.2, residues 381-401): HCPKCHLLQE[Val391Ile]PHEGDLDIIF

ClinVar aggregate classification (germline): Uncertain significance. Review status: criteria provided, multiple submitters, no conflicts (2 of 4 stars). 2 submissions from 2 submitters: Uncertain significance (2). Last evaluated 2024-06-26.

Conditions:
Hereditary cancer-predisposing syndrome. Also called: Hereditary Cancer Syndrome; Hereditary neoplastic syndrome; Neoplastic Syndromes, Hereditary; Tumor predisposition. Identifiers: Orphanet 140162, MedGen C0027672, MeSH D009386, MONDO:0015356.
Tumor predisposition syndrome 3 (TPDS3). Also called: Melanoma, cutaneous malignant, susceptibility to, 10; Glioma susceptibility 9; LONG TELOMERE SYNDROME, POT1-RELATED; POT1 Tumor Predisposition. Identifiers: Orphanet 618, MedGen C4014476, MONDO:0014368, OMIM 615848.

Allele frequency attached by ClinVar (database versions not stated): gnomAD exomes below 0.00001.
gnomAD v4.1: 1 of 1,610,454 alleles (0.000062%); highest among the groups gnomAD compares: East Asian, 0.0022%; no homozygotes.

Submissions (2):

Ambry Genetics
Classification: Uncertain significance for Hereditary cancer-predisposing syndrome. Last evaluated: 2024-06-26. Review status: criteria provided, single submitter. Criteria: Ambry Variant Classification Scheme 2023. Collection method: clinical testing. Allele origin: germline.
Comment: The p.V391I variant (also known as c.1171G>A), located in coding exon 10 of the POT1 gene, results from a G to A substitution at nucleotide position 1171. The valine at codon 391 is replaced by isoleucine, an amino acid with highly similar properties. This amino acid position is highly conserved in available vertebrate species. In addition, this alteration is predicted to be tolerated by in silico analysis. Since supporting evidence is limited at this time, the clinical significance of this alteration remains unclear.

Labcorp Genetics (formerly Invitae), Labcorp
Classification: Uncertain significance for Tumor predisposition syndrome 3. Last evaluated: 2023-12-15. Review status: criteria provided, single submitter. Criteria: Invitae Variant Classification Sherloc (09022015). Collection method: clinical testing. Allele origin: germline.
Comment: This sequence change replaces valine, which is neutral and non-polar, with isoleucine, which is neutral and non-polar, at codon 391 of the POT1 protein (p.Val391Ile). This variant is not present in population databases (gnomAD no frequency). This variant has not been reported in the literature in individuals affected with POT1-related conditions. ClinVar contains an entry for this variant (Variation ID: 1739738). Advanced modeling of protein sequence and biophysical properties (such as structural, functional, and spatial information, amino acid conservation, physicochemical variation, residue mobility, and thermodynamic stability) performed at Invitae indicates that this missense variant is not expected to disrupt POT1 protein function with a negative predictive value of 80%. In summary, the available evidence is currently insufficient to determine the role of this variant in disease. Therefore, it has been classified as a Variant of Uncertain Significance.